The following is an entry in ClinVar:

ClinVar aggregate classification (germline): Likely benign (1 of 4 stars; one submission).

Allele frequency attached by ClinVar (database versions not stated): gnomAD 0.00001; TOPMed 0.00001; gnomAD exomes 0.00002; ExAC 0.00009.
gnomAD v4.1: 23 of 1,205,560 alleles (0.0019%); highest among the groups gnomAD compares: East Asian, 0.003%; no homozygotes.

Submission:

CeGaT Center for Human Genetics Tuebingen
Classification: Likely benign. Last evaluated: 2023-07-01. Review status: criteria provided, single submitter. Criteria: CeGaT Center For Human Genetics Tuebingen Variant Classification Criteria Version 2. Collection method: clinical testing. Allele origin: germline. Affected: yes. Observed: 1 variant allele.
Comment: HUWE1: BP4, BP7, BS2

NM_031407.7(HUWE1):c.2163C>T (p.Ala721=)

Gene: HUWE1 (HECT, UBA and WWE domain containing E3 ubiquitin protein ligase 1; minus strand). Cytogenetic location: Xp11.22.
Variant type: single nucleotide variant.
Coding change: c.2163C>T on transcript NM_031407.7 (MANE Select); coding-DNA position 2163, C replaced by T.
Protein change: p.Ala721=; no amino-acid change (alanine 721 retained).
Molecular consequence: synonymous variant.
Genome position (GRCh38, 1-based): chrX:53,614,632, G>A on the plus strand (C>T on the coding strand, the complement: HUWE1 is on the minus strand). VCF-style: chrX-53614632-G-A. GRCh37 (hg19) VCF-style: chrX-53641593-G-A.
Identifiers: ClinVar variation 2660632 (VCV002660632.24), dbSNP rs782206252, ClinGen allele CA10422751.